The following is an entry in ClinVar:

ClinVar aggregate classification (germline): Uncertain significance. Review status: criteria provided, multiple submitters, no conflicts (2 of 4 stars). 2 submissions from 2 submitters: Uncertain significance (2). Last evaluated 2024-05-20.

Submissions (2):

GeneDx
Classification: Uncertain significance. Last evaluated: 2024-05-20. Review status: criteria provided, single submitter. Criteria: GeneDx Variant Classification Process June 2021. Collection method: clinical testing. Allele origin: germline. Affected: yes.
Comment: Not observed at significant frequency in large population cohorts (gnomAD); In silico analysis supports that this missense variant has a deleterious effect on protein structure/function; Has not been previously published as pathogenic or benign to our knowledge

Labcorp Genetics (formerly Invitae), Labcorp
Classification: Uncertain significance. Last evaluated: 2022-12-26. Review status: criteria provided, single submitter. Criteria: Invitae Variant Classification Sherloc (09022015). Collection method: clinical testing. Allele origin: germline.
Comment: In summary, the available evidence is currently insufficient to determine the role of this variant in disease. Therefore, it has been classified as a Variant of Uncertain Significance. Algorithms developed to predict the effect of missense changes on protein structure and function (SIFT, PolyPhen-2, Align-GVGD) all suggest that this variant is likely to be disruptive. This missense change has been observed in individual(s) with clinical features of hypomyelinating leukodystrophy (Invitae). This variant is not present in population databases (gnomAD no frequency). This sequence change replaces glycine, which is neutral and non-polar, with glutamic acid, which is acidic and polar, at codon 72 of the UFM1 protein (p.Gly72Glu).

NM_016617.4(UFM1):c.161G>A (p.Gly54Glu)

Gene: UFM1 (ubiquitin fold modifier 1; plus strand). Cytogenetic location: 13q13.3.
Variant type: single nucleotide variant.
Coding change: c.161G>A on transcript NM_016617.4 (MANE Select); coding-DNA position 161, G replaced by A.
Protein change: p.Gly54Glu; replaces glycine 54 with glutamic acid.
Molecular consequence: missense variant. On other transcripts: non-coding transcript variant (2).
Genome position (GRCh38, 1-based): chr13:38,359,304, G>A. VCF-style: chr13-38359304-G-A. GRCh37 (hg19) VCF-style: chr13-38933441-G-A.
Other names: c.155G>A, p.Gly52Glu (NM_001286703.2); c.215G>A, p.Gly72Glu (NM_001286704.2); c.161G>A, p.Gly54Glu (NM_001286705.2, NM_001286706.2); short protein forms G52E, G54E, G72E.
Identifiers: ClinVar variation 1806529 (VCV001806529.8), dbSNP rs1879265676, ClinGen allele CA387998084.